The following is an entry in ClinVar:

NM_004100.5(EYA4):c.707A>G (p.Tyr236Cys)

Gene: EYA4 (EYA transcriptional coactivator and phosphatase 4; plus strand). Cytogenetic location: 6q23.2.
Variant type: single nucleotide variant.
Coding change: c.707A>G on transcript NM_004100.5 (MANE Select); coding-DNA position 707, A replaced by G.
Protein change: p.Tyr236Cys; replaces tyrosine 236 with cysteine.
Molecular consequence: missense variant.
Genome position (GRCh38, 1-based): chr6:133,462,747, A>G. VCF-style: chr6-133462747-A-G. GRCh37 (hg19) VCF-style: chr6-133783885-A-G.
Other names: c.545A>G, p.Tyr182Cys (NM_001301012.2, NM_001370459.1); c.707A>G, p.Tyr236Cys (NM_001301013.2, NM_172105.4); c.638A>G, p.Tyr213Cys (NM_001370458.1, NM_172103.4); short protein forms Y236C, Y182C, Y213C.
Identifiers: ClinVar variation 410657 (VCV000410657.10), dbSNP rs1060502993, ClinGen allele CA16611889.

ClinVar aggregate classification (germline): Uncertain significance. Review status: criteria provided, multiple submitters, no conflicts (2 of 4 stars). 2 submissions from 2 submitters: Uncertain significance (2). Last evaluated 2022-03-30.

Conditions:
Cardiovascular phenotype. Identifiers: MedGen CN230736.
Dilated cardiomyopathy 1J (CMD1J). Also called: CARDIOMYOPATHY, DILATED, WITH SENSORINEURAL HEARING LOSS, AUTOSOMAL DOMINANT. Identifiers: Orphanet 217622, MedGen C1854368, MONDO:0011541, OMIM 605362.

Allele frequency attached by ClinVar (database versions not stated): TOPMed below 0.00001; gnomAD 0.00001.
gnomAD v4.1: 1 of 1,613,758 alleles (0.000062%); highest among the groups gnomAD compares: Non-Finnish European, 0.000085%; no homozygotes.

Submissions (2):

Ambry Genetics
Classification: Uncertain significance for Cardiovascular phenotype. Last evaluated: 2022-03-30. Review status: criteria provided, single submitter. Criteria: Ambry Variant Classification Scheme 2023. Collection method: clinical testing. Allele origin: germline.
Comment: The p.Y236C variant (also known as c.707A>G), located in coding exon 8 of the EYA4 gene, results from an A to G substitution at nucleotide position 707. The tyrosine at codon 236 is replaced by cysteine, an amino acid with highly dissimilar properties. This amino acid position is conserved. In addition, this alteration is predicted to be deleterious by in silico analysis. Since supporting evidence is limited at this time, the clinical significance of this alteration remains unclear.

Labcorp Genetics (formerly Invitae), Labcorp
Classification: Uncertain significance for Dilated cardiomyopathy 1J. Last evaluated: 2016-04-24. Review status: criteria provided, single submitter. Criteria: Invitae Variant Classification Sherloc (09022015). Collection method: clinical testing. Allele origin: germline.
Comment: In summary, this variant is a novel missense change with uncertain impact on protein function. It has been classified as a Variant of Uncertain Significance. This variant is not present in population databases (ExAC no frequency) and has not been reported in the literature in individuals with an EYA4-related disease. Algorithms developed to predict the effect of missense changes on protein structure and function do not agree on the potential impact of this missense change (SIFT: "Tolerated"; PolyPhen-2: "Probably Damaging"; Align-GVGD: "Class C0"). This sequence change replaces tyrosine with cysteine at codon 236 of the EYA4 protein (p.Tyr236Cys). The tyrosine residue is highly conserved and there is a large physicochemical difference between tyrosine and cysteine.